The following is an entry in ClinVar:

ClinVar aggregate classification (germline): Conflicting classifications of pathogenicity. Review status: criteria provided, conflicting classifications (1 of 4 stars). 2 submissions from 2 submitters: Uncertain significance (1); Likely benign (1). Last evaluated 2025-12-02.

Conditions:
Brown-Vialetto-van Laere syndrome 2. Also called: SPINOCEREBELLAR ATAXIA WITH BLINDNESS AND DEAFNESS 2; Riboflavin transporter deficiency type 2. Identifiers: Orphanet 572543, Orphanet 97229, MedGen C3553538, MONDO:0013867, OMIM 614707.
Inborn genetic diseases. Identifiers: MedGen C0950123, MeSH D030342.

Allele frequency attached by ClinVar (database versions not stated): gnomAD exomes below 0.00001; TOPMed below 0.00001; ExAC 0.00003.

Submissions (2):

Ambry Genetics
Classification: Likely benign for Inborn genetic diseases. Last evaluated: 2025-12-02. Review status: criteria provided, single submitter. Criteria: Ambry Variant Classification Scheme 2023. Collection method: clinical testing. Allele origin: germline.

Labcorp Genetics (formerly Invitae), Labcorp
Classification: Uncertain significance for Brown-Vialetto-van Laere syndrome 2. Last evaluated: 2022-08-13. Review status: criteria provided, single submitter. Criteria: Invitae Variant Classification Sherloc (09022015). Collection method: clinical testing. Allele origin: germline.
Comment: This sequence change replaces proline, which is neutral and non-polar, with leucine, which is neutral and non-polar, at codon 173 of the SLC52A2 protein (p.Pro173Leu). This variant is present in population databases (rs782175326, gnomAD 0.003%). This variant has not been reported in the literature in individuals affected with SLC52A2-related conditions. Advanced modeling of protein sequence and biophysical properties (such as structural, functional, and spatial information, amino acid conservation, physicochemical variation, residue mobility, and thermodynamic stability) performed at Invitae indicates that this missense variant is not expected to disrupt SLC52A2 protein function. In summary, the available evidence is currently insufficient to determine the role of this variant in disease. Therefore, it has been classified as a Variant of Uncertain Significance.

NM_001363118.2(SLC52A2):c.518C>T (p.Pro173Leu)

Gene: SLC52A2 (solute carrier family 52 member 2; plus strand). Cytogenetic location: 8q24.3.
Variant type: single nucleotide variant.
Coding change: c.518C>T on transcript NM_001363118.2 (MANE Select); coding-DNA position 518, C replaced by T.
Protein change: p.Pro173Leu; replaces proline 173 with leucine.
Molecular consequence: missense variant. On other transcripts: non-coding transcript variant (1), intron variant (1).
Genome position (GRCh38, 1-based): chr8:144,360,010, C>T. VCF-style: chr8-144360010-C-T. GRCh37 (hg19) VCF-style: chr8-145583670-C-T.
Other names: c.518C>T, p.Pro173Leu (NM_001253815.2, NM_001253816.2, NM_001363120.2 and 2 more transcripts); c.254C>T, p.Pro85Leu (NM_001410949.1); c.131-105C>T (NM_001363122.2); c.518C>T (NM_024531.3); short protein forms P173L, P85L.
Identifiers: ClinVar variation 2142996 (VCV002142996.2), dbSNP rs782175326, ClinGen allele CA4938206.